The following is an entry in ClinVar:

ClinVar aggregate classification (germline): Uncertain significance. Review status: criteria provided, single submitter (1 of 4 stars). 2 submissions from 2 submitters: Uncertain significance (1). 1 of the submissions does not count toward it. Last evaluated 2024-11-08.

Conditions:
PLXNA3-related disorder. Also called: PLXNA3-related condition.

gnomAD v4.1: 25 of 1,209,862 alleles (0.0021%); highest among the groups gnomAD compares: African/African-American, 0.0035%; no homozygotes.

Submissions (2):

Ambry Genetics
Classification: Uncertain significance. Last evaluated: 2024-11-08. Review status: criteria provided, single submitter. Criteria: Ambry Variant Classification Scheme 2023. Collection method: clinical testing. Allele origin: germline.

PreventionGenetics, part of Exact Sciences
Classification: Uncertain significance for PLXNA3-related condition. Last evaluated: 2024-05-01. Review status: no assertion criteria provided. Collection method: clinical testing. Allele origin: germline. Not counted in ClinVar's aggregate classification.
Comment: The PLXNA3 c.2854C>T variant is predicted to result in the amino acid substitution p.Arg952Trp. To our knowledge, this variant has not been reported in the literature. This variant is reported in 0.0077% of alleles in individuals of African descent in gnomAD. At this time, the clinical significance of this variant is uncertain due to the absence of conclusive functional and genetic evidence.

NM_017514.5(PLXNA3):c.2854C>T (p.Arg952Trp)

Gene: PLXNA3 (plexin A3; plus strand). Cytogenetic location: Xq28.
Variant type: single nucleotide variant.
Coding change: c.2854C>T on transcript NM_017514.5 (MANE Select); coding-DNA position 2854, C replaced by T.
Protein change: p.Arg952Trp; replaces arginine 952 with tryptophan.
Molecular consequence: missense variant.
Genome position (GRCh38, 1-based): chrX:154,466,430, C>T. VCF-style: chrX-154466430-C-T. GRCh37 (hg19) VCF-style: chrX-153694773-C-T.
Other names: c.2854C>T (NM_017514.3); short protein forms R952W.
Identifiers: ClinVar variation 3357876 (VCV003357876.2).